The following is an entry in ClinVar:

ClinVar aggregate classification (germline): Pathogenic/Likely pathogenic. Review status: criteria provided, multiple submitters, no conflicts (2 of 4 stars). 2 submissions from 2 submitters: Pathogenic (1); Likely pathogenic (1). Last evaluated 2024-05-15.

Conditions:
Lymphatic malformation 7 (LMPHM7). Also called: Hydrops fetalis, nonimmune, and/or atrial septal defect, susceptibility to. Identifiers: MedGen C4310629, MONDO:0015009, OMIM 617300.

gnomAD v4.1: 1 of 1,614,026 alleles (0.000062%); highest among the groups gnomAD compares: Non-Finnish European, 0.000085%; no homozygotes.

Submissions (2):

Equipe Genetique des Anomalies du Developpement, Université de Bourgogne
Classification: Likely pathogenic for Lymphatic malformation 7. Last evaluated: 2024-05-15. Review status: criteria provided, single submitter. Criteria: ACMG Guidelines, 2015. Collection method: clinical testing. Allele origin: paternal. Affected: yes.
Comment: The c.839C>G variant results in a nonsense mutation in the gene EPHB4, and is predicted to have a loss of function effect on the protein. It is reported once in a heterozygous state in gnomAD exomes (v4.1.0). It has also been previously reported in ClinVar as pathogenic (VCV001691365.2). Monoallelic pathogenic variants in this gene are responsible for a lymphatic malformation (OMIM #617300). In literature, a variable lymphatic phenotype is reported, ranging from mild to severe clinical presentations (PMID: 38151336). According to available evidence, this variant is considered to be likely pathogenic.

Seattle Children's Hospital Molecular Genetics Laboratory, Seattle Children's Hospital
Classification: Pathogenic. Last evaluated: 2021-03-12. Review status: criteria provided, single submitter. Criteria: ACMG Guidelines, 2015. Collection method: clinical testing. Allele origin: germline. Affected: yes.
Comment: The p.Ser280* variant introduces a premature stop codon in exon 5 of 17 in the EPHB4 gene and is predicted to have a loss-of-function effect on the protein product. This variant has not been observed in large population studies (Genome Aggregation Database v2.1.1). To our knowledge, this variant has also not been reported in the medical literature or patient-specific databases. While this specific nonsense variant has not been previously reported as pathogenic, other loss-of-function variants affecting EPHB4 have been reported in CM-AVM2 (NBK52764).

Literature cited by the submitters: PubMed 38151336 (cited by Equipe Genetique des Anomalies du Developpement, Université de Bourgogne).

NM_004444.5(EPHB4):c.839C>G (p.Ser280Ter)

Gene: EPHB4 (EPH receptor B4; minus strand). Cytogenetic location: 7q22.1.
Variant type: single nucleotide variant.
Coding change: c.839C>G on transcript NM_004444.5 (MANE Select); coding-DNA position 839, C replaced by G.
Protein change: p.Ser280Ter; replaces serine 280 with a stop codon.
Molecular consequence: nonsense.
Genome position (GRCh38, 1-based): chr7:100,820,266, G>C on the plus strand (C>G on the coding strand, the complement: EPHB4 is on the minus strand). VCF-style: chr7-100820266-G-C. GRCh37 (hg19) VCF-style: chr7-100417888-G-C.
Other names: short protein forms S280*.
Identifiers: ClinVar variation 1691365 (VCV001691365.4), dbSNP rs758961867, ClinGen allele CA368578199.